The following is an entry in ClinVar:

ClinVar aggregate classification (germline): Likely pathogenic. Review status: criteria provided, single submitter (1 of 4 stars). 2 submissions from 2 submitters: Likely pathogenic (1). 1 of the submissions does not count toward it. Last evaluated 2022-05-07.

Conditions:
Methylmalonic aciduria, cblB type (MACB). Also called: Vitamin B12-responsive methylmalonic acidemia type cblB; METHYLMALONIC ACIDURIA, VITAMIN B12-RESPONSIVE, DUE TO DEFECT IN SYNTHESIS OF ADENOSYLCOBALAMIN, cblB TYPE; Methylmalonic acidemia cblB type. Identifiers: Orphanet 28, Orphanet 79311, MedGen C1855102, MONDO:0009614, OMIM 251110.

Allele frequency attached by ClinVar (database versions not stated): gnomAD exomes below 0.00001.
gnomAD v4.1: 1 of 1,548,170 alleles (0.000065%); highest among the groups gnomAD compares: Non-Finnish European, 0.000087%; no homozygotes.

Submissions (2):

Labcorp Genetics (formerly Invitae), Labcorp
Classification: Likely pathogenic for Methylmalonic aciduria, cblB type. Last evaluated: 2022-05-07. Review status: criteria provided, single submitter. Criteria: Invitae Variant Classification Sherloc (09022015). Collection method: clinical testing. Allele origin: germline.
Comment: This sequence change affects an acceptor splice site in intron 5 of the MMAB gene. It is expected to disrupt RNA splicing. Variants that disrupt the donor or acceptor splice site typically lead to a loss of protein function (PMID: 16199547), and loss-of-function variants in MMAB are known to be pathogenic (PMID: 15781192, 16410054). This variant is not present in population databases (gnomAD no frequency). Disruption of this splice site has been observed in individual(s) with cobalamin B type methylmalonic aciduria (PMID: 34796408). ClinVar contains an entry for this variant (Variation ID: 1173995). Algorithms developed to predict the effect of sequence changes on RNA splicing suggest that this variant may disrupt the consensus splice site. In summary, the currently available evidence indicates that the variant is pathogenic, but additional data are needed to prove that conclusively. Therefore, this variant has been classified as Likely Pathogenic.

Baumgartner lab, University Children's Hospital Zurich
Classification: Pathogenic for Methylmalonic aciduria, cblB type. Last evaluated: 2021-06-01. Review status: no assertion criteria provided. Collection method: clinical testing. Allele origin: germline. Affected: yes. Not counted in ClinVar's aggregate classification.

Literature cited by the submitters: PubMed 16199547 (cited by Labcorp Genetics (formerly Invitae), Labcorp); PubMed 15781192 (cited by Labcorp Genetics (formerly Invitae), Labcorp); PubMed 16410054 (cited by Labcorp Genetics (formerly Invitae), Labcorp); PubMed 34796408 (cited by Labcorp Genetics (formerly Invitae), Labcorp and Baumgartner lab, University Children's Hospital Zurich).

NM_052845.4(MMAB):c.422-1G>C

Gene: MMAB (metabolism of cobalamin associated B; minus strand). Cytogenetic location: 12q24.11.
Variant type: single nucleotide variant.
Coding change: c.422-1G>C on transcript NM_052845.4 (MANE Select); the canonical splice acceptor site of the intron before coding-DNA position 422, G replaced by C.
Molecular consequence: splice acceptor variant.
Genome position (GRCh38, 1-based): chr12:109,561,518, C>G on the plus strand (G>C on the coding strand, the complement: MMAB is on the minus strand). VCF-style: chr12-109561518-C-G. GRCh37 (hg19) VCF-style: chr12-109999323-C-G.
Identifiers: ClinVar variation 1173995 (VCV001173995.8), dbSNP rs2136199436, ClinGen allele CA386637611.